The following is an entry in ClinVar:

NM_021729.6(VPS11):c.2618_2623del (p.Ala873_Gln874del)

Gene: VPS11 (VPS11 core subunit of CORVET and HOPS complexes; plus strand). Cytogenetic location: 11q23.3.
Variant type: Deletion.
Coding change: c.2618_2623del on transcript NM_021729.6 (MANE Select); coding-DNA positions 2618 to 2623, 6 bases deleted (CCCAGG; older notation c.2618_2623delCCCAGG).
Protein change: p.Ala873_Gln874del.
Molecular consequence: inframe deletion. On other transcripts: non-coding transcript variant (8).
Genome position (GRCh38, 1-based): chr11:119,081,271-119,081,276, CCCAGG deleted; deleting any 6 consecutive bases within chr11:119,081,269-119,081,276 gives the same sequence; the c. name uses the placement nearest the transcript's 3' end. VCF-style (leftmost placement, unchanged base first): chr11-119081268-GGGCCCA-G. GRCh37 (hg19) VCF-style: chr11-118951978-GGGCCCA-G.
Other names: c.2588_2593del, p.Ala863_Gln864del (NM_001290185.2); c.2630_2635del, p.Ala877_Gln878del (NM_001378218.1, NM_001378219.1); c.2603_2608del, p.Ala868_Gln869del (NM_001378220.1); c.2600_2605del, p.Ala867_Gln868del (NM_001378221.1).
Identifiers: ClinVar variation 1418200 (VCV001418200.3), dbSNP rs781799196, ClinGen allele CA6313742.

ClinVar aggregate classification (germline): Uncertain significance (1 of 4 stars; one submission).

Submission:

Labcorp Genetics (formerly Invitae), Labcorp
Classification: Uncertain significance. Last evaluated: 2022-10-17. Review status: criteria provided, single submitter. Criteria: Invitae Variant Classification Sherloc (09022015). Collection method: clinical testing. Allele origin: germline.
Comment: This variant, c.2618_2623del, results in the deletion of 2 amino acid(s) of the VPS11 protein (p.Ala873_Gln874del), but otherwise preserves the integrity of the reading frame. This variant is present in population databases (rs781799196, gnomAD 0.03%). This variant has not been reported in the literature in individuals affected with VPS11-related conditions. ClinVar contains an entry for this variant (Variation ID: 1418200). Experimental studies and prediction algorithms are not available or were not evaluated, and the functional significance of this variant is currently unknown. In summary, the available evidence is currently insufficient to determine the role of this variant in disease. Therefore, it has been classified as a Variant of Uncertain Significance.